The following is an entry in ClinVar:

NM_000334.4(SCN4A):c.724G>T (p.Ala242Ser)

Gene: SCN4A (sodium voltage-gated channel alpha subunit 4; minus strand). Cytogenetic location: 17q23.3.
Variant type: single nucleotide variant.
Coding change: c.724G>T on transcript NM_000334.4 (MANE Select); coding-DNA position 724, G replaced by T.
Protein change: p.Ala242Ser; replaces alanine 242 with serine.
Molecular consequence: missense variant.
Genome position (GRCh38, 1-based): chr17:63,968,335, C>A on the plus strand (G>T on the coding strand, the complement: SCN4A is on the minus strand). VCF-style: chr17-63968335-C-A. GRCh37 (hg19) VCF-style: chr17-62045695-C-A.
Other names: short protein forms A242S.
Identifiers: ClinVar variation 1801194 (VCV001801194.7), dbSNP rs1459693919, ClinGen allele CA400637864.

ClinVar aggregate classification (germline): Uncertain significance. Review status: criteria provided, multiple submitters, no conflicts (2 of 4 stars). 3 submissions from 3 submitters: Uncertain significance (3). Last evaluated 2025-05-29.

Conditions:
Inborn genetic diseases. Identifiers: MedGen C0950123, MeSH D030342.
Hyperkalemic periodic paralysis. Also called: Familial hyperkalemic periodic paralysis; Gamstorp disease. Identifiers: Orphanet 682, MedGen C0238357, MONDO:0008224, OMIM 170500, HP:0007215.

Allele frequency attached by ClinVar (database versions not stated): gnomAD exomes below 0.00001.
gnomAD v4.1: 4 of 1,601,184 alleles (0.00025%); highest among the groups gnomAD compares: Non-Finnish European, 0.00034%; no homozygotes.

Submissions (3):

Ambry Genetics
Classification: Uncertain significance for Inborn genetic diseases. Last evaluated: 2025-05-29. Review status: criteria provided, single submitter. Criteria: Ambry Variant Classification Scheme 2023. Collection method: clinical testing. Allele origin: germline.

Labcorp Genetics (formerly Invitae), Labcorp
Classification: Uncertain significance for Hyperkalemic periodic paralysis. Last evaluated: 2022-08-25. Review status: criteria provided, single submitter. Criteria: Invitae Variant Classification Sherloc (09022015). Collection method: clinical testing. Allele origin: germline.
Comment: This variant has not been reported in the literature in individuals affected with SCN4A-related conditions. This variant is not present in population databases (gnomAD no frequency). This sequence change replaces alanine, which is neutral and non-polar, with serine, which is neutral and polar, at codon 242 of the SCN4A protein (p.Ala242Ser). Algorithms developed to predict the effect of missense changes on protein structure and function (SIFT, PolyPhen-2, Align-GVGD) all suggest that this variant is likely to be disruptive. In summary, the available evidence is currently insufficient to determine the role of this variant in disease. Therefore, it has been classified as a Variant of Uncertain Significance.

GeneDx
Classification: Uncertain significance. Last evaluated: 2022-05-23. Review status: criteria provided, single submitter. Criteria: GeneDx Variant Classification Process June 2021. Collection method: clinical testing. Allele origin: germline. Affected: yes.
Comment: Not observed at significant frequency in large population cohorts (gnomAD); In silico analysis supports that this missense variant does not alter protein structure/function; Has not been previously published as pathogenic or benign to our knowledge